The following is an entry in ClinVar:

ClinVar aggregate classification (germline): Uncertain significance (1 of 4 stars; one submission).

Submission:

GeneDx
Classification: Uncertain significance. Last evaluated: 2022-11-09. Review status: criteria provided, single submitter. Criteria: GeneDx Variant Classification Process June 2021. Collection method: clinical testing. Allele origin: germline. Affected: yes.
Comment: Not observed at significant frequency in large population cohorts (gnomAD); In silico analysis supports that this missense variant has a deleterious effect on protein structure/function; Has not been previously published as pathogenic or benign to our knowledge; Variants in candidate genes are classified as variants of uncertain significance in accordance with ACMG guidelines (Richards et al., 2015)

NM_018133.4(MSL2):c.473C>G (p.Ser158Cys)

Gene: MSL2 (MSL complex subunit 2; minus strand). Cytogenetic location: 3q22.3.
Variant type: single nucleotide variant.
Coding change: c.473C>G on transcript NM_018133.4 (MANE Select); coding-DNA position 473, C replaced by G.
Protein change: p.Ser158Cys; replaces serine 158 with cysteine.
Molecular consequence: missense variant.
Genome position (GRCh38, 1-based): chr3:136,152,408, G>C on the plus strand (C>G on the coding strand, the complement: MSL2 is on the minus strand). VCF-style: chr3-136152408-G-C. GRCh37 (hg19) VCF-style: chr3-135871250-G-C.
Other names: c.251C>G, p.Ser84Cys (NM_001145417.2); short protein forms S158C, S84C.
Identifiers: ClinVar variation 3342703 (VCV003342703.1).